The following is an entry in ClinVar:

NM_003000.3(SDHB):c.365A>T (p.Asn122Ile)

Gene: SDHB (succinate dehydrogenase complex iron sulfur subunit B; minus strand). Cytogenetic location: 1p36.13.
Variant type: single nucleotide variant.
Coding change: c.365A>T on transcript NM_003000.3 (MANE Select); coding-DNA position 365, A replaced by T.
Protein change: p.Asn122Ile; replaces asparagine 122 with isoleucine.
Molecular consequence: missense variant.
Genome position (GRCh38, 1-based): chr1:17,028,658, T>A on the plus strand (A>T on the coding strand, the complement: SDHB is on the minus strand). VCF-style: chr1-17028658-T-A. GRCh37 (hg19) VCF-style: chr1-17355153-T-A.
Other names: c.365A>T, p.Asn122Ile (NM_001407361.1); short protein forms N122I.
Identifiers: ClinVar variation 4841416 (VCV004841416.1).

ClinVar aggregate classification (germline): Uncertain significance (1 of 4 stars; one submission).

Conditions:
Hereditary cancer-predisposing syndrome. Also called: Neoplastic Syndromes, Hereditary; Tumor predisposition; Hereditary Cancer Syndrome; Hereditary neoplastic syndrome. Identifiers: Orphanet 140162, MedGen C0027672, MeSH D009386, MONDO:0015356.

Submission:

Ambry Genetics
Classification: Uncertain significance for Hereditary cancer-predisposing syndrome. Last evaluated: 2025-12-15. Review status: criteria provided, single submitter. Criteria: Ambry Variant Classification Scheme 2023. Collection method: clinical testing. Allele origin: germline.
Comment: The p.N122I variant (also known as c.365A>T), located in coding exon 4 of the SDHB gene, results from an A to T substitution at nucleotide position 365. The asparagine at codon 122 is replaced by isoleucine, an amino acid with dissimilar properties. This amino acid position is conserved. In addition, the in silico prediction for this alteration is inconclusive. Based on the available evidence, the clinical significance of this variant remains unclear.